The following is an entry in ClinVar:

NM_001754.5(RUNX1):c.1037G>A (p.Arg346His)

Gene: RUNX1 (RUNX family transcription factor 1; minus strand). Cytogenetic location: 21q22.12.
Variant type: single nucleotide variant.
Coding change: c.1037G>A on transcript NM_001754.5 (MANE Select); coding-DNA position 1037, G replaced by A.
Protein change: p.Arg346His; replaces arginine 346 with histidine.
Molecular consequence: missense variant.
Genome position (GRCh38, 1-based): chr21:34,792,541, C>T on the plus strand (G>A on the coding strand, the complement: RUNX1 is on the minus strand). VCF-style: chr21-34792541-C-T. GRCh37 (hg19) VCF-style: chr21-36164838-C-T.
Other names: NM_001754.5(RUNX1):c.1037G>A; p.Arg346His; c.956G>A, p.Arg319His (NM_001001890.3); short protein forms R346H, R319H.
Identifiers: ClinVar variation 660838 (VCV000660838.12), dbSNP rs1282562937, ClinGen allele CA410148456.

ClinVar aggregate classification (germline): Uncertain significance. Review status: reviewed by expert panel (3 of 4 stars). 4 submissions from 4 submitters: Uncertain significance (1). 3 of the submissions do not count toward it. Last evaluated 2025-01-15.

Conditions:
Inborn genetic diseases. Identifiers: MedGen C0950123, MeSH D030342.
Hereditary thrombocytopenia and hematological cancer predisposition syndrome associated with RUNX1. Also called: Familial Platelet Disorder with Propensity to Acute Myelogenous Leukemia; Familial thrombocytopenia with propensity to acute myelogenous leukemia; RUNX1 Familial Platelet Disorder with Associated Myeloid Malignancies; PLATELET DISORDER, ASPIRIN-LIKE. Identifiers: Orphanet 71290, MedGen C1832388, MeSH C563324, MONDO:0100083, OMIM 601399.

Allele frequency attached by ClinVar (database versions not stated): gnomAD exomes below 0.00001.

Submissions (4):

ClinGen Myeloid Malignancy Variant Curation Expert Panel
Classification: Uncertain significance for Hereditary thrombocytopenia and hematological cancer predisposition syndrome associated with RUNX1. Last evaluated: 2025-01-15. Review status: reviewed by expert panel. Criteria: ClinGen MyeloMalig ACMG Specifications v2. Collection method: curation. Allele origin: germline. Inheritance: Autosomal dominant inheritance.
Comment: NM_001754.5(RUNX1):c.1037G>A (p.Arg346His) is a missense variant which does not meet any ACMG/AMP criteria. In summary, the clinical significance of this variant is uncertain. ACMG/AMP criteria applied, as specified by the Myeloid Malignancy Variant Curation Expert Panel for RUNX1: None

Ambry Genetics
Classification: Uncertain significance for Inborn genetic diseases. Last evaluated: 2025-10-09. Review status: criteria provided, single submitter. Criteria: Ambry Variant Classification Scheme 2023. Collection method: clinical testing. Allele origin: germline. Not counted in ClinVar's aggregate classification.
Comment: The p.R346H variant (also known as c.1037G>A), located in coding exon 8 of the RUNX1 gene, results from a G to A substitution at nucleotide position 1037. The arginine at codon 346 is replaced by histidine, an amino acid with highly similar properties. This amino acid position is highly conserved in available vertebrate species. In addition, the in silico prediction for this alteration is inconclusive. Based on the available evidence, the clinical significance of this variant remains unclear.

GeneDx
Classification: Uncertain significance. Last evaluated: 2022-09-13. Review status: criteria provided, single submitter. Criteria: GeneDx Variant Classification Process June 2021. Collection method: clinical testing. Allele origin: germline. Affected: yes. Not counted in ClinVar's aggregate classification.
Comment: Not observed at significant frequency in large population cohorts (gnomAD); In silico analysis supports that this missense variant has a deleterious effect on protein structure/function; Has not been previously published as pathogenic or benign to our knowledge

Labcorp Genetics (formerly Invitae), Labcorp
Classification: Uncertain significance for Hereditary thrombocytopenia and hematological cancer predisposition syndrome associated with RUNX1. Last evaluated: 2018-12-05. Review status: criteria provided, single submitter. Criteria: Invitae Variant Classification Sherloc (09022015). Collection method: clinical testing. Allele origin: germline. Not counted in ClinVar's aggregate classification.
Comment: This variant is not present in population databases (ExAC no frequency). This variant has not been reported in the literature in individuals with RUNX1-related conditions. Algorithms developed to predict the effect of missense changes on protein structure and function are either unavailable or do not agree on the potential impact of this missense change (SIFT: "Tolerated"; PolyPhen-2: "Probably Damaging"; Align-GVGD: "Class C0"). In summary, the available evidence is currently insufficient to determine the role of this variant in disease. Therefore, it has been classified as a Variant of Uncertain Significance. This sequence change replaces arginine with histidine at codon 346 of the RUNX1 protein (p.Arg346His). The arginine residue is moderately conserved and there is a small physicochemical difference between arginine and histidine.